The following is an entry in ClinVar:

NM_004369.4(COL6A3):c.3412G>A (p.Val1138Ile)

Gene: COL6A3 (collagen type VI alpha 3 chain; minus strand). Cytogenetic location: 2q37.3.
Variant type: single nucleotide variant.
Coding change: c.3412G>A on transcript NM_004369.4 (MANE Select); coding-DNA position 3412, G replaced by A.
Protein change: p.Val1138Ile; replaces valine 1138 with isoleucine.
Molecular consequence: missense variant.
Genome position (GRCh38, 1-based): chr2:237,374,679, C>T on the plus strand (G>A on the coding strand, the complement: COL6A3 is on the minus strand). VCF-style: chr2-237374679-C-T. GRCh37 (hg19) VCF-style: chr2-238283322-C-T.
Other names: c.2191G>A, p.Val731Ile (NM_057164.5); c.2794G>A, p.Val932Ile (NM_057165.5, NM_057167.4); c.1591G>A, p.Val531Ile (NM_057166.5); short protein forms V1138I, V731I, V531I, V932I.
Identifiers: ClinVar variation 335129 (VCV000335129.15), dbSNP rs199964760, ClinGen allele CA10612849.

ClinVar aggregate classification (germline): Uncertain significance. Review status: criteria provided, multiple submitters, no conflicts (2 of 4 stars). 3 submissions from 3 submitters: Uncertain significance (3). Last evaluated 2020-09-30.

Conditions:
Collagen 6-related myopathy. Identifiers: MedGen CN117976, MONDO:0100225.
Bethlem myopathy 1A. Also called: MYOPATHY, BENIGN CONGENITAL, WITH CONTRACTURES; Bethlem myopathy 1; Bethlem Muscular Dystrophy. Identifiers: Orphanet 610, MedGen CN029274, MONDO:0024530, OMIM 158810.

Allele frequency attached by ClinVar (database versions not stated): gnomAD below 0.00001 and 0.00001; gnomAD exomes 0.00001 and 0.00002; 1000 Genomes Project 0.00020; 1000 Genomes Project 30x 0.00031.
gnomAD v4.1: 35 of 1,613,834 alleles (0.0022%); highest among the groups gnomAD compares: East Asian, 0.02%; no homozygotes.

Submissions (3):

Revvity Omics, Revvity
Classification: Uncertain significance. Last evaluated: 2020-09-30. Review status: criteria provided, single submitter. Criteria: ACMG Guidelines, 2015. Collection method: clinical testing. Allele origin: germline.

Labcorp Genetics (formerly Invitae), Labcorp
Classification: Uncertain significance for Bethlem myopathy 1A. Last evaluated: 2020-01-03. Review status: criteria provided, single submitter. Criteria: Invitae Variant Classification Sherloc (09022015). Collection method: clinical testing. Allele origin: germline.
Comment: This sequence change replaces valine with isoleucine at codon 1138 of the COL6A3 protein (p.Val1138Ile). The valine residue is weakly conserved and there is a small physicochemical difference between valine and isoleucine. This variant is not present in population databases (ExAC no frequency). This variant has not been reported in the literature in individuals with COL6A3-related conditions. ClinVar contains an entry for this variant (Variation ID: 335129). In summary, the available evidence is currently insufficient to determine the role of this variant in disease. Therefore, it has been classified as a Variant of Uncertain Significance. Algorithms developed to predict the effect of missense changes on protein structure and function are either unavailable or do not agree on the potential impact of this missense change (SIFT: "Tolerated"; PolyPhen-2: "Possibly Damaging"; Align-GVGD: "Class C0").

Illumina Laboratory Services, Illumina
Classification: Uncertain significance for Collagen VI-related myopathy. Last evaluated: 2018-01-13. Review status: criteria provided, single submitter. Criteria: ICSL Variant Classification Criteria 13 December 2019. Collection method: clinical testing. Allele origin: germline.